The following is an entry in ClinVar:

ClinVar aggregate classification (germline): Uncertain significance. Review status: criteria provided, multiple submitters, no conflicts (2 of 4 stars). 2 submissions from 2 submitters: Uncertain significance (2). Last evaluated 2025-12-11.

Conditions:
Inborn genetic diseases. Identifiers: MedGen C0950123, MeSH D030342.
Neuronal ceroid lipofuscinosis. Also called: Neuronal Ceroid Lipofuscinoses. Identifiers: Orphanet 216, Orphanet 79263, MedGen C0027877, MONDO:0016295. Disease mechanism: loss of function.

Allele frequency attached by ClinVar (database versions not stated): gnomAD exomes below 0.00001; gnomAD 0.00001; ExAC 0.00002; ESP Exome Variant Server 0.00015.
gnomAD v4.1: 3 of 1,614,026 alleles (0.00019%); highest among the groups gnomAD compares: African/African-American, 0.004%; no homozygotes.

Submissions (2):

Ambry Genetics
Classification: Uncertain significance for Inborn genetic diseases. Last evaluated: 2025-12-11. Review status: criteria provided, single submitter. Criteria: Ambry Variant Classification Scheme 2023. Collection method: clinical testing. Allele origin: germline.

Labcorp Genetics (formerly Invitae), Labcorp
Classification: Uncertain significance for Neuronal ceroid lipofuscinosis. Last evaluated: 2022-05-19. Review status: criteria provided, single submitter. Criteria: Invitae Variant Classification Sherloc (09022015). Collection method: clinical testing. Allele origin: germline.
Comment: This sequence change replaces asparagine, which is neutral and polar, with threonine, which is neutral and polar, at codon 118 of the CLN8 protein (p.Asn118Thr). This variant is present in population databases (rs140934218, gnomAD 0.01%). This variant has not been reported in the literature in individuals affected with CLN8-related conditions. Algorithms developed to predict the effect of missense changes on protein structure and function are either unavailable or do not agree on the potential impact of this missense change (SIFT: "Deleterious"; PolyPhen-2: "Probably Damaging"; Align-GVGD: "Class C0"). In summary, the available evidence is currently insufficient to determine the role of this variant in disease. Therefore, it has been classified as a Variant of Uncertain Significance.

NM_018941.4(CLN8):c.353A>C (p.Asn118Thr)

Gene: CLN8 (CLN8 transmembrane ER and ERGIC protein; plus strand). Cytogenetic location: 8p23.3.
Variant type: single nucleotide variant.
Coding change: c.353A>C on transcript NM_018941.4 (MANE Select); coding-DNA position 353, A replaced by C.
Protein change: p.Asn118Thr; replaces asparagine 118 with threonine.
Molecular consequence: missense variant.
Genome position (GRCh38, 1-based): chr8:1,771,407, A>C. VCF-style: chr8-1771407-A-C. GRCh37 (hg19) VCF-style: chr8-1719573-A-C.
Other names: short protein forms N118T.
Identifiers: ClinVar variation 2036812 (VCV002036812.2), dbSNP rs140934218, ClinGen allele CA4599253.